The following is an entry in ClinVar:

ClinVar aggregate classification (germline): Uncertain significance (1 of 4 stars; one submission).

Allele frequency attached by ClinVar (database versions not stated): gnomAD exomes below 0.00001.
gnomAD v4.1: 1 of 1,613,570 alleles (0.000062%); highest among the groups gnomAD compares: South Asian, 0.0011%; no homozygotes.

Submission:

GeneDx
Classification: Uncertain significance. Last evaluated: 2025-06-03. Review status: criteria provided, single submitter. Criteria: GeneDx Variant Classification Process June 2021. Collection method: clinical testing. Allele origin: germline.
Comment: Not observed at significant frequency in large population cohorts (gnomAD); In silico analysis supports that this missense variant has a deleterious effect on protein structure/function; In silico analysis supports a deleterious effect on splicing; Has not been previously published as pathogenic or benign to our knowledge

NM_001085458.2(CTNND1):c.1751G>A (p.Arg584Gln)

Genes: CTNND1 (catenin delta 1; plus strand), TMX2-CTNND1 (TMX2-CTNND1 readthrough (NMD candidate); plus strand). Cytogenetic location: 11q12.1.
Variant type: single nucleotide variant.
Coding change: c.1751G>A on transcript NM_001085458.2 (MANE Select); coding-DNA position 1751, G replaced by A.
Protein change: p.Arg584Gln; replaces arginine 584 with glutamine.
Molecular consequence: missense variant. On other transcripts: non-coding transcript variant (1).
Genome position (GRCh38, 1-based): chr11:57,805,910, G>A. VCF-style: chr11-57805910-G-A. GRCh37 (hg19) VCF-style: chr11-57573382-G-A.
Other names: c.1751G>A, p.Arg584Gln (NM_001085459.2, NM_001085460.2, NM_001085461.2 and 3 more transcripts); c.1448G>A, p.Arg483Gln (NM_001085463.2, NM_001085464.2, NM_001085465.2 and 5 more transcripts); c.1589G>A, p.Arg530Gln (NM_001206883.2, NM_001206884.2, NM_001206886.2 and 4 more transcripts); short protein forms R483Q, R530Q, R584Q.
Identifiers: ClinVar variation 2576651 (VCV002576651.2), dbSNP rs1486500759, ClinGen allele CA380728775.